The following continues an entry in ClinVar:

NM_000059.4(BRCA2):c.3262C>T (p.Pro1088Ser)

Gene: BRCA2. ClinVar aggregate classification (germline): Conflicting classifications of pathogenicity. Uncertain significance (2); Benign (3); Likely benign (13).

Submissions 12 to 26 of 26:

Women's Health and Genetics/Laboratory Corporation of America, LabCorp
Classification: Benign. Last evaluated: 2021-03-28. Review status: criteria provided, single submitter. Criteria: LabCorp Variant Classification Summary - May 2015. Collection method: clinical testing. Allele origin: germline.
Comment: Variant summary: BRCA2 c.3262C>T (p.Pro1088Ser) results in a non-conservative amino acid change in the encoded protein sequence. Four of five in-silico tools predict a benign effect of the variant on protein function. The variant allele was found at a frequency of 4.3e-05 in 233286 control chromosomes. This frequency is not significantly higher than expected for a pathogenic variant in BRCA2 causing Hereditary Breast And Ovarian Cancer Syndrome (4.3e-05 vs 0.00075), allowing no conclusion about variant significance. c.3262C>T has been reported in the literature as a reportedly somatic occurrence in non-MSI positive samples from patients with esophageal adenocarcinoma (example, Dulac_2013) and in the MSI instable FFPE specimen derived from a patient with hereditary endometrial carcinoma in whom a germline pathogenic variant in the MSH6 gene had been identified (Jori_2015, patient 5, MSI unstable, MSH6 variant c.3729_3732dupATTA). The variant has also been reported as a germline mutation in the literature in patients with breast/ovarian cancer and head and neck squamous cell carcinoma (HNSCC), without strong evidence for causality (example, Coulet_2010, Buzolin_2017, Schenkel_2016, Chandrasekharappa_2017). These report(s) do not provide unequivocal conclusions about association of the variant with Hereditary Breast And Ovarian Cancer Syndrome. Multiple co-occurrences with other pathogenic variant(s) have been reported in the BIC database (2 - BRCA1 exon13ins6kb, 1 - BRCA1 c.3549_3550delinsT (p.K1183fsX), and 1 - BRCA1 c.4357+1G>A), providing supporting evidence for a benign role. To our knowledge, no experimental evidence demonstrating an impact on protein function has been reported. Ten clinical diagnostic laboratories have submitted clinical-significance assessments for this variant to ClinVar after 2014 without evidence for independent evaluation. Multiple laboratories reported the variant with conflicting assessments (benign/likely benign, n=8, VUS, n=2). Taken together, based on at-least 5 reports of the occurrence of this variant in patients with an alternative molecular basis of disease attributed to mutations in MSH6 (n=1) or BRCA1 (n=4) genes and the majority concordance among peers supporting a neutral outcome as outlined above, the variant was classified as benign.

Department of Pathology and Laboratory Medicine, Sinai Health System
Classification: Likely benign for BRCA2-related cancer predisposition. Last evaluated: 2020-03-12. Review status: criteria provided, single submitter. Criteria: ACMG Guidelines, 2015. Collection method: clinical testing. Allele origin: germline. Affected: yes.

Ambry Genetics
Classification: Likely benign for Hereditary cancer-predisposing syndrome. Last evaluated: 2018-10-31. Review status: criteria provided, single submitter. Criteria: Ambry Variant Classification Scheme 2023. Collection method: clinical testing. Allele origin: germline.

GeneDx
Classification: Likely benign. Last evaluated: 2018-05-17. Review status: criteria provided, single submitter. Criteria: GeneDx Variant Classification Process June 2021. Collection method: clinical testing. Allele origin: germline. Affected: yes.
Comment: This variant is associated with the following publications: (PMID: 27376475, 28651617, 26517685, 23525077, 20858050, 30151275)

Color Diagnostics, LLC DBA Color Health
Classification: Benign for Hereditary cancer-predisposing syndrome. Last evaluated: 2016-06-22. Review status: criteria provided, single submitter. Criteria: ACMG Guidelines, 2015. Collection method: clinical testing. Allele origin: germline.

Clinical Genetics DNA and cytogenetics Diagnostics Lab, Erasmus MC, Erasmus Medical Center
Classification: Likely benign for Breast-ovarian cancer, familial, susceptibility to, 2. Last evaluated: 2015-09-21. Review status: criteria provided, single submitter. Criteria: ACGS Guidelines, 2013. Collection method: clinical testing. Allele origin: germline. Affected: yes. Study: VKGL Data-share Consensus.

Genome Diagnostics Laboratory, University Medical Center Utrecht
Classification: Likely benign for Breast-ovarian cancer, familial, susceptibility to, 2. Last evaluated: 2015-06-15. Review status: criteria provided, single submitter. Criteria: ACGS Guidelines, 2013. Collection method: clinical testing. Allele origin: germline. Affected: yes. Study: VKGL Data-share Consensus.

Mayo Clinic Laboratories, Mayo Clinic
Classification: Likely benign. Last evaluated: 2017-07-27. Review status: no assertion criteria provided. Collection method: clinical testing. Allele origin: unknown. Not counted in ClinVar's aggregate classification.

Counsyl
Classification: Uncertain significance for Breast-ovarian cancer, familial, susceptibility to, 2. Last evaluated: 2016-05-26. Review status: no assertion criteria provided. Collection method: clinical testing. Allele origin: unknown. Not counted in ClinVar's aggregate classification.

Sharing Clinical Reports Project (SCRP)
Classification: Benign for Breast-ovarian cancer, familial 2. Last evaluated: 2008-10-01. Review status: no assertion criteria provided. Collection method: clinical testing. Allele origin: germline. Not counted in ClinVar's aggregate classification.

Breast Cancer Information Core (BIC) (BRCA2)
Classification: Uncertain significance for Breast-ovarian cancer, familial 2. Last evaluated: 2002-05-29. Review status: no assertion criteria provided. Collection method: clinical testing. Allele origin: germline. Affected: yes. Observed: 8 variant alleles. Not counted in ClinVar's aggregate classification.

Clinical Genetics Laboratory, Department of Pathology, Netherlands Cancer Institute
Classification: Likely benign. Review status: no assertion criteria provided. Collection method: clinical testing. Allele origin: germline. Affected: yes. Study: VKGL Data-share Consensus. Not counted in ClinVar's aggregate classification.

Diagnostic Laboratory, Department of Genetics, University Medical Center Groningen
Classification: Likely benign. Review status: no assertion criteria provided. Collection method: clinical testing. Allele origin: germline. Affected: yes. Study: VKGL Data-share Consensus. Not counted in ClinVar's aggregate classification.

Joint Genome Diagnostic Labs from Nijmegen and Maastricht, Radboudumc and MUMC+
Classification: Likely benign. Review status: no assertion criteria provided. Collection method: clinical testing. Allele origin: germline. Affected: yes. Study: VKGL Data-share Consensus. Not counted in ClinVar's aggregate classification.

Laboratory of Diagnostic Genome Analysis, Leiden University Medical Center (LUMC)
Classification: Likely benign. Review status: no assertion criteria provided. Collection method: clinical testing. Allele origin: germline. Affected: yes. Study: VKGL Data-share Consensus. Not counted in ClinVar's aggregate classification.

Literature cited by the submitters: PubMed 34597585 (cited by Quest Diagnostics Nichols Institute San Juan Capistrano); PubMed 30151275 (cited by Quest Diagnostics Nichols Institute San Juan Capistrano and Sema4); PubMed 28651617 (cited by 3 submitters); PubMed 26517685 (cited by 4 submitters); PubMed 27376475 (cited by Quest Diagnostics Nichols Institute San Juan Capistrano and Women's Health and Genetics/Laboratory Corporation of America, LabCorp); PubMed 31131967 (cited by Victorian Clinical Genetics Services, Murdoch Childrens Research Institute); PubMed 33471991 (cited by Victorian Clinical Genetics Services, Murdoch Childrens Research Institute and Sema4); PubMed 20858050 (cited by Women's Health and Genetics/Laboratory Corporation of America, LabCorp); PubMed 23525077 (cited by Women's Health and Genetics/Laboratory Corporation of America, LabCorp); PubMed 28678401 (cited by Women's Health and Genetics/Laboratory Corporation of America, LabCorp).